The following is an entry in ClinVar:

NM_033380.3(COL4A5):c.3955dup (p.Arg1319fs)

Gene: COL4A5 (collagen type IV alpha 5 chain; plus strand). Cytogenetic location: Xq22.3.
Variant type: Duplication.
Coding change: c.3955dup on transcript NM_033380.3 (MANE Select); coding-DNA position 3955, one base duplicated (C; older notation c.3955dupC).
Protein change: p.Arg1319fs; shifts the reading frame from arginine 1319.
Molecular consequence: frameshift variant.
Genome position (GRCh38, 1-based): chrX:108,680,691, C duplicated; the last of 2 consecutive C bases (chrX:108,680,690-108,680,691); duplicating either gives the same sequence. VCF-style (leftmost placement, unchanged base first): chrX-108680689-G-GC. GRCh37 (hg19) VCF-style: chrX-107923919-G-GC.
Other names: c.3937dup, p.Arg1313fs (NM_000495.5); short protein forms R1313fs, R1319fs.
Identifiers: ClinVar variation 1726170 (VCV001726170.2), dbSNP rs2524611865, ClinGen allele CA2580100199.

ClinVar aggregate classification (germline): Likely pathogenic (1 of 4 stars; one submission).

Conditions:
X-linked Alport syndrome (ATS1). Also called: NEPHROPATHY AND DEAFNESS, X-LINKED; COL4A5-Related Nephropathy. Identifiers: Orphanet 63, Orphanet 88917, MedGen C4746986, MONDO:0010520, OMIM 301050.

Submission:

Myriad Genetics, Inc.
Classification: Likely pathogenic for X-linked Alport syndrome. Last evaluated: 2022-05-18. Review status: criteria provided, single submitter. Criteria: Myriad Women's Health Autosomal Recessive and X-Linked Classification Criteria (2021). Collection method: clinical testing. Allele origin: unknown.
Comment: NM_000495.4(COL4A5):c.3937dupC(R1313Pfs*35) is expected to be pathogenic in the context of X-linked Alport syndrome. This variant is predicted to lead to an abnormal or absent protein product due to the creation of a premature termination codon in COL4A5, a gene where loss-of-function variants are known to be pathogenic. Please note: this variant was assessed in the context of healthy population screening.